The following is an entry in ClinVar:

NM_007294.4(BRCA1):c.1204G>A (p.Glu402Lys)

Gene: BRCA1 (BRCA1 DNA repair associated; minus strand). Cytogenetic location: 17q21.31.
Variant type: single nucleotide variant.
Coding change: c.1204G>A on transcript NM_007294.4 (MANE Select); coding-DNA position 1204, G replaced by A.
Protein change: p.Glu402Lys; replaces glutamic acid 402 with lysine.
Molecular consequence: missense variant. On other transcripts: intron variant (137).
Genome position (GRCh38, 1-based): chr17:43,094,327, C>T on the plus strand (G>A on the coding strand, the complement: BRCA1 is on the minus strand). VCF-style: chr17-43094327-C-T. GRCh37 (hg19) VCF-style: chr17-41246344-C-T.
Other names: c.1204G>A, p.Glu402Lys (NM_001407619.1, NM_001407620.1, NM_001407621.1 and 30 more transcripts); c.1201G>A, p.Glu401Lys (NM_001407627.1, NM_001407628.1, NM_001407629.1 and 22 more transcripts); c.1195G>A, p.Glu399Lys (NM_001407646.1, NM_001407647.1); c.1081G>A, p.Glu361Lys (NM_001407648.1, NM_001407664.1, NM_001407665.1 and 19 more transcripts); c.991G>A, p.Glu331Lys (NM_001407571.1, NM_001407853.1, NM_001407894.1 and 9 more transcripts); c.1078G>A, p.Glu360Lys (NM_001407649.1, NM_001407670.1, NM_001407671.1 and 11 more transcripts); c.1126G>A, p.Glu376Lys (NM_001407653.1, NM_001407654.1, NM_001407655.1 and 4 more transcripts); c.1123G>A, p.Glu375Lys (NM_001407659.1, NM_001407660.1, NM_001407661.1 and 1 more transcripts); and 40 more; short protein forms E355K, E402K, E291K, E314K, E331K, E335K, E360K, E106K.
Identifiers: ClinVar variation 650355 (VCV000650355.12), dbSNP rs273897655, ClinGen allele CA10599644.

ClinVar aggregate classification (germline): Conflicting classifications of pathogenicity. Review status: criteria provided, conflicting classifications (1 of 4 stars). 2 submissions from 2 submitters: Uncertain significance (1); Likely benign (1). Last evaluated 2023-10-15.

Conditions:
Hereditary breast ovarian cancer syndrome. Also called: Breast and ovarian cancer; BRCA1- and BRCA2-Associated Hereditary Breast and Ovarian Cancer; Hereditary breast and ovarian cancer; Hereditary breast and ovarian cancer syndrome (HBOC); Hereditary breast and/or ovarian cancer syndrome; Hereditary breast and ovarian cancer syndrome. Identifiers: Orphanet 145, MedGen C0677776, MeSH D061325, MONDO:0003582. Disease mechanism: loss of function.
Hereditary cancer-predisposing syndrome. Also called: Neoplastic Syndromes, Hereditary; Tumor predisposition; Hereditary Cancer Syndrome; Hereditary neoplastic syndrome. Identifiers: Orphanet 140162, MedGen C0027672, MeSH D009386, MONDO:0015356.

Submissions (2):

Labcorp Genetics (formerly Invitae), Labcorp
Classification: Uncertain significance for Hereditary breast ovarian cancer syndrome. Last evaluated: 2023-10-15. Review status: criteria provided, single submitter. Criteria: Invitae Variant Classification Sherloc (09022015). Collection method: clinical testing. Allele origin: germline.
Comment: This sequence change replaces glutamic acid, which is acidic and polar, with lysine, which is basic and polar, at codon 402 of the BRCA1 protein (p.Glu402Lys). This variant is not present in population databases (gnomAD no frequency). This variant has not been reported in the literature in individuals affected with BRCA1-related conditions. ClinVar contains an entry for this variant (Variation ID: 650355). Advanced modeling of protein sequence and biophysical properties (such as structural, functional, and spatial information, amino acid conservation, physicochemical variation, residue mobility, and thermodynamic stability) performed at Invitae indicates that this missense variant is not expected to disrupt BRCA1 protein function. In summary, the available evidence is currently insufficient to determine the role of this variant in disease. Therefore, it has been classified as a Variant of Uncertain Significance.

University of Washington Department of Laboratory Medicine, University of Washington
Classification: Likely benign for Hereditary cancer-predisposing syndrome. Last evaluated: 2023-03-23. Review status: criteria provided, single submitter. Criteria: Dines et al. (Genet Med. 2020). Collection method: curation. Allele origin: germline.
Comment: Missense variant in a coldspot region where missense variants are very unlikely to be pathogenic (PMID:31911673).

BRCA1 coldspot (exon 11 using historical exon numbering). Reclassification based on statistical prior probability